The following is an entry in ClinVar:

NM_001184.4(ATR):c.2206G>A (p.Gly736Arg)

Gene: ATR (ATR checkpoint kinase; minus strand). Cytogenetic location: 3q23.
Variant type: single nucleotide variant.
Coding change: c.2206G>A on transcript NM_001184.4 (MANE Select); coding-DNA position 2206, G replaced by A.
Protein change: p.Gly736Arg; replaces glycine 736 with arginine.
Molecular consequence: missense variant.
Genome position (GRCh38, 1-based): chr3:142,556,012, C>T on the plus strand (G>A on the coding strand, the complement: ATR is on the minus strand). VCF-style: chr3-142556012-C-T. GRCh37 (hg19) VCF-style: chr3-142274854-C-T.
Other names: c.2014G>A, p.Gly672Arg (NM_001354579.2); short protein forms G736R, G672R.
Identifiers: ClinVar variation 1405299 (VCV001405299.8), dbSNP rs769252606, ClinGen allele CA2650407.

ClinVar aggregate classification (germline): Uncertain significance (1 of 4 stars; one submission).

Allele frequency attached by ClinVar (database versions not stated): gnomAD 0.00001; TOPMed 0.00001; ExAC 0.00006; gnomAD exomes 0.00006 and 0.00008.
gnomAD v4.1: 122 of 1,613,756 alleles (0.0076%); highest among the groups gnomAD compares: South Asian, 0.052%; no homozygotes.

Submission:

Labcorp Genetics (formerly Invitae), Labcorp
Classification: Uncertain significance. Last evaluated: 2025-01-08. Review status: criteria provided, single submitter. Criteria: Invitae Variant Classification Sherloc (09022015). Collection method: clinical testing. Allele origin: germline.
Comment: This sequence change replaces glycine, which is neutral and non-polar, with arginine, which is basic and polar, at codon 736 of the ATR protein (p.Gly736Arg). This variant is present in population databases (rs769252606, gnomAD 0.05%). This variant has not been reported in the literature in individuals affected with ATR-related conditions. ClinVar contains an entry for this variant (Variation ID: 1405299). An algorithm developed to predict the effect of missense changes on protein structure and function outputs the following: PolyPhen-2: "Benign". The arginine amino acid residue is found in multiple mammalian species, which suggests that this missense change does not adversely affect protein function. Algorithms developed to predict the effect of sequence changes on RNA splicing suggest that this variant may create or strengthen a splice site. In summary, the available evidence is currently insufficient to determine the role of this variant in disease. Therefore, it has been classified as a Variant of Uncertain Significance.